The following is an entry in ClinVar:

NM_001374736.1(DST):c.23220A>T (p.Pro7740=)

Gene: DST (dystonin; minus strand). Cytogenetic location: 6p12.1.
Variant type: single nucleotide variant.
Coding change: c.23220A>T on transcript NM_001374736.1 (MANE Select); coding-DNA position 23220, A replaced by T.
Protein change: p.Pro7740=; no amino-acid change (proline 7740 retained).
Molecular consequence: synonymous variant.
Genome position (GRCh38, 1-based): chr6:56,459,242, T>A on the plus strand (A>T on the coding strand, the complement: DST is on the minus strand). VCF-style: chr6-56459242-T-A. GRCh37 (hg19) VCF-style: chr6-56324040-T-A.
Other names: c.16791A>T, p.Pro5597= (NM_001144769.5); c.16377A>T, p.Pro5459= (NM_001144770.2); c.23148A>T, p.Pro7716= (NM_001374722.1); c.22149A>T, p.Pro7383= (NM_001374729.1); c.15891A>T, p.Pro5297= (NM_001374730.1); c.23175A>T, p.Pro7725= (NM_001374734.1); c.16239A>T, p.Pro5413= (NM_001386100.1); c.15279A>T, p.Pro5093= (NM_015548.5); and 2 more.
Identifiers: ClinVar variation 1109250 (VCV001109250.21), dbSNP rs765987178, ClinGen allele CA3865998.

ClinVar aggregate classification (germline): Likely benign. Review status: criteria provided, multiple submitters, no conflicts (2 of 4 stars). 4 submissions from 4 submitters: Likely benign (4). Last evaluated 2025-12-02.

Conditions:
Hereditary sensory and autonomic neuropathy type 6. Also called: Neuropathy, hereditary sensory and autonomic, type VI; HSAN VI. Identifiers: Orphanet 314381, MedGen C3539003, MONDO:0013839, OMIM 614653.
Epidermolysis bullosa simplex 3, localized or generalized intermediate, with BP230 deficiency (EBS3). Also called: Epidermolysis bullosa simplex due to BP230 deficiency; Epidermolysis bullosa simplex, autosomal recessive 2. Identifiers: Orphanet 412181, MedGen C3809470, MONDO:0014180, OMIM 615425.
DST-related disorder. Also called: DST-related condition; DST-related disorders.

Allele frequency attached by ClinVar (database versions not stated): gnomAD 0.00001; TOPMed 0.00001; ExAC 0.00002; gnomAD exomes 0.00002 and 0.00004.
gnomAD v4.1: 66 of 1,612,816 alleles (0.0041%); highest among the groups gnomAD compares: Admixed American, 0.0067%; no homozygotes.

Submissions (4):

Labcorp Genetics (formerly Invitae), Labcorp
Classification: Likely benign for Epidermolysis bullosa simplex 3, localized or generalized intermediate, with BP230 deficiency; Hereditary sensory and autonomic neuropathy type 6. Last evaluated: 2025-12-02. Review status: criteria provided, single submitter. Criteria: Invitae Variant Classification Sherloc (09022015). Collection method: clinical testing. Allele origin: germline.

CeGaT Center for Human Genetics Tuebingen
Classification: Likely benign. Last evaluated: 2025-05-01. Review status: criteria provided, single submitter. Criteria: CeGaT Center For Human Genetics Tuebingen Variant Classification Criteria Version 2. Collection method: clinical testing. Allele origin: germline. Affected: yes. Observed: 1 variant allele.
Comment: DST: BP4, BP7

PreventionGenetics, part of Exact Sciences
Classification: Likely benign for DST-related condition. Last evaluated: 2025-04-24. Review status: criteria provided, single submitter. Criteria: ACMG Guidelines, 2015. Collection method: clinical testing. Allele origin: germline.
Comment: This variant is classified as likely benign based on ACMG/AMP sequence variant interpretation guidelines (Richards et al. 2015 PMID: 25741868, with internal and published modifications).

Blueprint Genetics
Classification: Likely benign. Last evaluated: 2024-02-22. Review status: criteria provided, single submitter. Criteria: ACMG Guidelines, 2015. Collection method: clinical testing. Allele origin: germline.